The following is an entry in ClinVar:

NM_001379659.1(ZNF142):c.4622C>T (p.Ala1541Val)

Gene: ZNF142 (zinc finger protein 142; minus strand). Cytogenetic location: 2q35.
Variant type: single nucleotide variant.
Coding change: c.4622C>T on transcript NM_001379659.1 (MANE Select); coding-DNA position 4622, C replaced by T.
Protein change: p.Ala1541Val; replaces alanine 1541 with valine.
Molecular consequence: missense variant.
Genome position (GRCh38, 1-based): chr2:218,642,494, G>A on the plus strand (C>T on the coding strand, the complement: ZNF142 is on the minus strand). VCF-style: chr2-218642494-G-A. GRCh37 (hg19) VCF-style: chr2-219507217-G-A.
Other names: c.4622C>T (NM_001366290.1); c.4022C>T, p.Ala1341Val (NM_001105537.5, NM_001366291.3, NM_001379662.1); c.3533C>T, p.Ala1178Val (NM_001366287.3, NM_001366288.3, NM_001366289.3); c.4622C>T, p.Ala1541Val (NM_001366290.3, NM_001379660.1, NM_001379661.1); short protein forms A1541V, A1341V, A1178V.
Identifiers: ClinVar variation 2328630 (VCV002328630.3), dbSNP rs201080085, ClinGen allele CA2108735.

ClinVar aggregate classification (germline): Uncertain significance. Review status: criteria provided, multiple submitters, no conflicts (2 of 4 stars). 2 submissions from 2 submitters: Uncertain significance (2). Last evaluated 2026-01-28.

Conditions:
Inborn genetic diseases. Identifiers: MedGen C0950123, MeSH D030342.
ZNF142-related disorder. Also called: ZNF142-related condition.

Allele frequency attached by ClinVar (database versions not stated): gnomAD exomes 0.00001; ExAC 0.00007; ESP Exome Variant Server 0.00008; gnomAD 0.00009; TOPMed 0.00010; 1000 Genomes Project 0.00060; 1000 Genomes Project 30x 0.00078.
gnomAD v4.1: 29 of 1,607,600 alleles (0.0018%); highest among the groups gnomAD compares: African/African-American, 0.035%; no homozygotes.

Submissions (2):

PreventionGenetics, part of Exact Sciences
Classification: Uncertain significance for ZNF142-related condition. Last evaluated: 2026-01-28. Review status: criteria provided, single submitter. Criteria: ACMG Guidelines, 2015. Collection method: clinical testing. Allele origin: germline.
Comment: The ZNF142 c.4622C>T variant is predicted to result in the amino acid substitution p.Ala1541Val. To our knowledge, this variant has not been reported in the literature. This variant is reported in 0.067% of alleles in individuals of African descent in gnomAD. At this time, the clinical significance of this variant is uncertain due to the absence of conclusive functional and genetic evidence.

Ambry Genetics
Classification: Uncertain significance for Inborn genetic diseases. Last evaluated: 2022-09-29. Review status: criteria provided, single submitter. Criteria: Ambry Variant Classification Scheme 2023. Collection method: clinical testing. Allele origin: germline.